The following is an entry in ClinVar:

NM_033656.4(BRWD1):c.5893C>T (p.Leu1965Phe)

Gene: BRWD1 (bromodomain and WD repeat domain containing 1; minus strand). Cytogenetic location: 21q22.2.
Variant type: single nucleotide variant.
Coding change: c.5893C>T on transcript NM_033656.4 (MANE Select); coding-DNA position 5893, C replaced by T.
Protein change: p.Leu1965Phe; replaces leucine 1965 with phenylalanine.
Molecular consequence: missense variant.
Genome position (GRCh38, 1-based): chr21:39,197,176, G>A on the plus strand (C>T on the coding strand, the complement: BRWD1 is on the minus strand). VCF-style: chr21-39197176-G-A. GRCh37 (hg19) VCF-style: chr21-40569102-G-A.
Other names: c.5893C>T, p.Leu1965Phe (NM_018963.5); short protein forms L1965F.
Identifiers: ClinVar variation 3039911 (VCV003039911.2), dbSNP rs61742658, ClinGen allele CA10026404.

ClinVar aggregate classification (germline): Likely benign (0 of 4 stars; one submission).

Conditions:
BRWD1-related disorder. Also called: BRWD1-related condition.

Allele frequency attached by ClinVar (database versions not stated): 1000 Genomes Project 30x 0.00078; 1000 Genomes Project 0.00100; ExAC 0.00169; gnomAD 0.00212; TOPMed 0.00245; ESP Exome Variant Server 0.00269.
gnomAD v4.1: 4,803 of 1,614,114 alleles (0.3%); highest among the groups gnomAD compares: Non-Finnish European, 0.35%; 18 homozygotes.

Submission:

PreventionGenetics, part of Exact Sciences
Classification: Likely benign for BRWD1-related condition. Last evaluated: 2019-04-01. Review status: no assertion criteria provided. Collection method: clinical testing. Allele origin: germline.
Comment: This variant is classified as likely benign based on ACMG/AMP sequence variant interpretation guidelines (Richards et al. 2015 PMID: 25741868, with internal and published modifications).